The following is an entry in ClinVar:

ClinVar aggregate classification (germline): Uncertain significance (1 of 4 stars; one submission).

Conditions:
Camptomelic dysplasia (CMPD). Also called: Campomelic Dysplasia; CMPD1/SRA1. Identifiers: Orphanet 140, MedGen C1861922, MONDO:0007251, OMIM 114290.

Allele frequency attached by ClinVar (database versions not stated): gnomAD exomes below 0.00001.
gnomAD v4.1: 1 of 1,614,084 alleles (0.000062%); highest among the groups gnomAD compares: Non-Finnish European, 0.000085%; no homozygotes.

Submission:

Labcorp Genetics (formerly Invitae), Labcorp
Classification: Uncertain significance for Camptomelic dysplasia. Last evaluated: 2023-02-22. Review status: criteria provided, single submitter. Criteria: Invitae Variant Classification Sherloc (09022015). Collection method: clinical testing. Allele origin: germline.
Comment: In summary, the available evidence is currently insufficient to determine the role of this variant in disease. Therefore, it has been classified as a Variant of Uncertain Significance. This sequence change replaces isoleucine, which is neutral and non-polar, with valine, which is neutral and non-polar, at codon 198 of the SOX9 protein (p.Ile198Val). This variant is not present in population databases (gnomAD no frequency). This variant has not been reported in the literature in individuals affected with SOX9-related conditions. Advanced modeling of protein sequence and biophysical properties (such as structural, functional, and spatial information, amino acid conservation, physicochemical variation, residue mobility, and thermodynamic stability) performed at Invitae indicates that this missense variant is not expected to disrupt SOX9 protein function.

NM_000346.4(SOX9):c.592A>G (p.Ile198Val)

Gene: SOX9 (SRY-box transcription factor 9; plus strand). Cytogenetic location: 17q24.3.
Variant type: single nucleotide variant.
Coding change: c.592A>G on transcript NM_000346.4 (MANE Select); coding-DNA position 592, A replaced by G.
Protein change: p.Ile198Val; replaces isoleucine 198 with valine.
Molecular consequence: missense variant.
Genome position (GRCh38, 1-based): chr17:72,122,879, A>G. VCF-style: chr17-72122879-A-G. GRCh37 (hg19) VCF-style: chr17-70119020-A-G.
Other names: short protein forms I198V.
Identifiers: ClinVar variation 2969434 (VCV002969434.3), dbSNP rs2143246595, ClinGen allele CA400866629.
Genomic context (GRCh38, chr17:72,122,879, plus strand): 5'-CGGAGGAAGTCGGTGAAGAACGGGCAGGCGGAGGCAGAGGAGGCCACGGAGCAGACGCAC[A>G]TCTCCCCCAACGCCATCTTCAAGGCGCTGCAGGCCGACTCGCCACACTCCTCCTCCGGCA-3'
Protein context (NP_000337.1, residues 188-208): EAEEATEQTH[Ile198Val]SPNAIFKALQ